The following is an entry in ClinVar:

ClinVar aggregate classification (germline): Uncertain significance (1 of 4 stars; one submission).

Conditions:
DICER1-related tumor predisposition. Also called: DICER1-related pleuropulmonary blastoma cancer predisposition syndrome; DICER1 syndrome. Identifiers: Orphanet 284343, MedGen C3839822, MONDO:0100216.

Submission:

Labcorp Genetics (formerly Invitae), Labcorp
Classification: Uncertain significance for DICER1-related tumor predisposition. Last evaluated: 2017-12-15. Review status: criteria provided, single submitter. Criteria: Invitae Variant Classification Sherloc (09022015). Collection method: clinical testing. Allele origin: germline.
Comment: This variant is not present in population databases (ExAC no frequency). In summary, the available evidence is currently insufficient to determine the role of this variant in disease. Therefore, it has been classified as a Variant of Uncertain Significance. Algorithms developed to predict the effect of missense changes on protein structure and function do not agree on the potential impact of this missense change (SIFT: "Tolerated"; PolyPhen-2: "Possibly Damaging"; Align-GVGD: "Class C0"). This variant has not been reported in the literature in individuals with DICER1-related disease. This sequence change replaces serine with arginine at codon 1104 of the DICER1 protein (p.Ser1104Arg). The serine residue is highly conserved and there is a moderate physicochemical difference between serine and arginine.

NM_177438.3(DICER1):c.3312C>G (p.Ser1104Arg)

Gene: DICER1 (dicer 1, ribonuclease III; minus strand). Cytogenetic location: 14q32.13.
Variant type: single nucleotide variant.
Coding change: c.3312C>G on transcript NM_177438.3 (MANE Select); coding-DNA position 3312, C replaced by G.
Protein change: p.Ser1104Arg; replaces serine 1104 with arginine.
Molecular consequence: missense variant.
Genome position (GRCh38, 1-based): chr14:95,104,084, G>C on the plus strand (C>G on the coding strand, the complement: DICER1 is on the minus strand). VCF-style: chr14-95104084-G-C. GRCh37 (hg19) VCF-style: chr14-95570421-G-C.
Other names: c.3312C>G, p.Ser1104Arg (NM_001195573.1, NM_001271282.3, NM_001291628.2 and 1 more transcripts); short protein forms S1104R.
Identifiers: ClinVar variation 543576 (VCV000543576.10), dbSNP rs1555369738, ClinGen allele CA390875952.